The following is an entry in ClinVar:

ClinVar aggregate classification (germline): Uncertain significance (1 of 4 stars; one submission).

Conditions:
Charcot-Marie-Tooth disease type 2. Also called: Charcot-Marie-Tooth type 2. Identifiers: Orphanet 64746, MedGen C0270914, MONDO:0018993.

Submission:

Labcorp Genetics (formerly Invitae), Labcorp
Classification: Uncertain significance for Charcot-Marie-Tooth disease type 2. Last evaluated: 2023-03-07. Review status: criteria provided, single submitter. Criteria: Invitae Variant Classification Sherloc (09022015). Collection method: clinical testing. Allele origin: germline.
Comment: Advanced modeling of protein sequence and biophysical properties (such as structural, functional, and spatial information, amino acid conservation, physicochemical variation, residue mobility, and thermodynamic stability) performed at Invitae indicates that this missense variant is expected to disrupt BSCL2 protein function. This variant has not been reported in the literature in individuals affected with BSCL2-related conditions. This variant is not present in population databases (gnomAD no frequency). This sequence change replaces serine, which is neutral and polar, with phenylalanine, which is neutral and non-polar, at codon 83 of the BSCL2 protein (p.Ser83Phe). In summary, the available evidence is currently insufficient to determine the role of this variant in disease. Therefore, it has been classified as a Variant of Uncertain Significance.

NM_001122955.4(BSCL2):c.440C>T (p.Ser147Phe)

Genes: BSCL2 (BSCL2 lipid droplet biogenesis associated, seipin; minus strand), HNRNPUL2-BSCL2 (HNRNPUL2-BSCL2 readthrough (NMD candidate); minus strand). Cytogenetic location: 11q12.3.
Variant type: single nucleotide variant.
Coding change: c.440C>T on transcript NM_001122955.4 (MANE Select); coding-DNA position 440, C replaced by T.
Protein change: p.Ser147Phe; replaces serine 147 with phenylalanine.
Molecular consequence: missense variant. On other transcripts: non-coding transcript variant (1).
Genome position (GRCh38, 1-based): chr11:62,702,514, G>A on the plus strand (C>T on the coding strand, the complement: BSCL2 is on the minus strand). VCF-style: chr11-62702514-G-A. GRCh37 (hg19) VCF-style: chr11-62469986-G-A.
Other names: c.248C>T, p.Ser83Phe (NM_001130702.2, NM_032667.6); c.440C>T, p.Ser147Phe (NM_001386027.1, NM_001386028.1); short protein forms S147F, S83F.
Identifiers: ClinVar variation 2919685 (VCV002919685.3), dbSNP rs2539174045, ClinGen allele CA380968512.